The following is an entry in ClinVar:

NM_002427.4(MMP13):c.678C>A (p.His226Gln)

Gene: MMP13 (matrix metallopeptidase 13; minus strand). Cytogenetic location: 11q22.2.
Variant type: single nucleotide variant.
Coding change: c.678C>A on transcript NM_002427.4 (MANE Select); coding-DNA position 678, C replaced by A.
Protein change: p.His226Gln; replaces histidine 226 with glutamine.
Molecular consequence: missense variant.
Genome position (GRCh38, 1-based): chr11:102,952,133, G>T on the plus strand (C>A on the coding strand, the complement: MMP13 is on the minus strand). VCF-style: chr11-102952133-G-T. GRCh37 (hg19) VCF-style: chr11-102822862-G-T.
Other names: short protein forms H226Q.
Identifiers: ClinVar variation 3605773 (VCV003605773.2).
Genomic context (GRCh38, chr11:102,952,133, plus strand): 5'-GTAGGTGTAGATAGGAAACATGAGTGCTCCAGGGTCCTTGGAGTGGTCAAGACCTAAGGA[G>T]TGGCCGAACTCATGCGCAGCAACAAGAAACAAGTTGTAGCCTGTAAGAAAACAAAGAAAC-3'
Protein context (NP_002418.1, residues 216-236): LFLVAAHEFG[His226Gln]SLGLDHSKDP

ClinVar aggregate classification (germline): Uncertain significance (1 of 4 stars; one submission).

Submission:

Labcorp Genetics (formerly Invitae), Labcorp
Classification: Uncertain significance. Last evaluated: 2024-12-16. Review status: criteria provided, single submitter. Criteria: Invitae Variant Classification Sherloc (09022015). Collection method: clinical testing. Allele origin: germline.
Comment: This sequence change replaces histidine, which is basic and polar, with glutamine, which is neutral and polar, at codon 226 of the MMP13 protein (p.His226Gln). This variant is not present in population databases (gnomAD no frequency). This variant has not been reported in the literature in individuals affected with MMP13-related conditions. Invitae Evidence Modeling of protein sequence and biophysical properties (such as structural, functional, and spatial information, amino acid conservation, physicochemical variation, residue mobility, and thermodynamic stability) indicates that this missense variant is expected to disrupt MMP13 protein function with a positive predictive value of 80%. In summary, the available evidence is currently insufficient to determine the role of this variant in disease. Therefore, it has been classified as a Variant of Uncertain Significance.